The following is an entry in ClinVar:

ClinVar aggregate classification (germline): Uncertain significance. Review status: criteria provided, multiple submitters, no conflicts (2 of 4 stars). 2 submissions from 2 submitters: Uncertain significance (2). Last evaluated 2026-01-14.

Conditions:
Familial cancer of breast. Also called: BREAST CANCER, FAMILIAL; Hereditary breast cancer; hereditary breast carcinoma. Identifiers: Orphanet 227535, MedGen C0346153, MONDO:0016419, OMIM 114480. Disease mechanism: loss of function.
Hereditary cancer-predisposing syndrome. Also called: Neoplastic Syndromes, Hereditary; Tumor predisposition; Hereditary Cancer Syndrome; Hereditary neoplastic syndrome. Identifiers: Orphanet 140162, MedGen C0027672, MeSH D009386, MONDO:0015356.

Submissions (2):

Labcorp Genetics (formerly Invitae), Labcorp
Classification: Uncertain significance for Familial cancer of breast. Last evaluated: 2026-01-14. Review status: criteria provided, single submitter. Criteria: Invitae Variant Classification Sherloc (09022015). Collection method: clinical testing. Allele origin: germline.
Comment: This sequence change replaces proline, which is neutral and non-polar, with leucine, which is neutral and non-polar, at codon 266 of the PALB2 protein (p.Pro266Leu). This variant is not present in population databases (gnomAD no frequency). This variant has not been reported in the literature in individuals affected with PALB2-related conditions. ClinVar contains an entry for this variant (Variation ID: 482040). An algorithm developed to predict the effect of missense changes on protein structure and function outputs the following: PolyPhen-2: "Benign". The leucine amino acid residue is found in multiple mammalian species, which suggests that this missense change does not adversely affect protein function. In summary, the available evidence is currently insufficient to determine the role of this variant in disease. Therefore, it has been classified as a Variant of Uncertain Significance.

Ambry Genetics
Classification: Uncertain significance for Hereditary cancer-predisposing syndrome. Last evaluated: 2024-10-28. Review status: criteria provided, single submitter. Criteria: Ambry Variant Classification Scheme 2023. Collection method: clinical testing. Allele origin: germline.
Comment: The p.P266L variant (also known as c.797C>T), located in coding exon 4 of the PALB2 gene, results from a C to T substitution at nucleotide position 797. The proline at codon 266 is replaced by leucine, an amino acid with some similar properties. This variant was not reported in population based cohorts in the following databases: Database of Single Nucleotide Polymorphisms (dbSNP), NHLBI Exome Sequencing Project (ESP), and 1000 Genomes Project. In the ESP, this variant was not observed in 6497 samples (12994 alleles) with coverage at this position. To date, this alteration has been detected with an allele frequency of approximately 0.0004% (greater than 225000 alleles tested) in our clinical cohort. This amino acid position is highly conserved in available vertebrate species. In addition, this alteration is predicted to be tolerated by in silico analysis. Since supporting evidence is limited at this time, the clinical significance of this alteration remains unclear.

NM_024675.4(PALB2):c.797C>T (p.Pro266Leu)

Gene: PALB2 (partner and localizer of BRCA2; minus strand). Cytogenetic location: 16p12.2.
Variant type: single nucleotide variant.
Coding change: c.797C>T on transcript NM_024675.4 (MANE Select); coding-DNA position 797, C replaced by T.
Protein change: p.Pro266Leu; replaces proline 266 with leucine.
Molecular consequence: missense variant.
Genome position (GRCh38, 1-based): chr16:23,635,749, G>A on the plus strand (C>T on the coding strand, the complement: PALB2 is on the minus strand). VCF-style: chr16-23635749-G-A. GRCh37 (hg19) VCF-style: chr16-23647070-G-A.
Other names: short protein forms P266L.
Identifiers: ClinVar variation 482040 (VCV000482040.15), dbSNP rs1555461619, ClinGen allele CA395136022.
Genomic context (GRCh38, chr16:23,635,749, plus strand): 5'-GGTGAAGTAAATCTAATGTTTTTTAGGTCGTGAGTAGTAAGTTCACTGCTACCTTTAGGA[G>A]GAATGTGTTCAAGGTGCTGACTACTACCGCTATCTGATAGAGTCTGTAAAGGAACTGTAG-3'
Protein context (NP_078951.2, residues 256-276): SGSSQHLEHI[Pro266Leu]PKGSSELTTH